The following is an entry in ClinVar:

NM_016239.4(MYO15A):c.6331A>T (p.Asn2111Tyr)

Gene: MYO15A (myosin XVA; plus strand). Cytogenetic location: 17p11.2.
Variant type: single nucleotide variant.
Coding change: c.6331A>T on transcript NM_016239.4 (MANE Select); coding-DNA position 6331, A replaced by T.
Protein change: p.Asn2111Tyr; replaces asparagine 2111 with tyrosine.
Molecular consequence: missense variant.
Genome position (GRCh38, 1-based): chr17:18,145,929, A>T. VCF-style: chr17-18145929-A-T. GRCh37 (hg19) VCF-style: chr17-18049243-A-T.
Other names: N890Y; c.6331A>T (NM_016239.3); short protein forms N2111Y.
Identifiers: ClinVar variation 6951 (VCV000006951.2), dbSNP rs121908966, ClinGen allele CA254014.

ClinVar aggregate classification (germline): Pathogenic. Review status: no assertion criteria provided (0 of 4 stars). 2 submissions from 2 submitters: Pathogenic (2). Last evaluated 2024-01-06.

Conditions:
Autosomal recessive nonsyndromic hearing loss 3. Also called: NEUROSENSORY NONSYNDROMIC RECESSIVE DEAFNESS 3. Identifiers: Orphanet 90636, MedGen C1838263, MONDO:0010860, OMIM 600316.

Submissions (2):

Wonkam Laboratory, Johns Hopkins University
Classification: Pathogenic for Autosomal recessive nonsyndromic hearing loss 3. Last evaluated: 2024-01-06. Review status: no assertion criteria provided. Collection method: research. Allele origin: unknown. Inheritance: Autosomal recessive inheritance. Affected: yes. Observed: 2 variant alleles.
Comment: The variant NM_016239.3 c.6331A>T is located in a mutational hot spot and/or critical and well-established functional domain of MYO15A (PM1), Absent from controls (or at extremely low frequency if recessive) in Exome Sequencing Project, 1000 Genomes Project, or Exome Aggregation Consortium (PM2), Cosegregation with disease in multiple affected family members in a gene definitively known to cause the disease (PP1), Multiple lines of computational evidence support a deleterious effect on the gene or gene product (PP3), Patient's phenotype or family history is highly specific for a disease with a single genetic etiology ( PP4), Reputable source recently reports variant as pathogenic, but the evidence is not available to the laboratory to perform an independent evaluation (PP5)

OMIM
Classification: Pathogenic for DEAFNESS, AUTOSOMAL RECESSIVE 3. Last evaluated: 1998-05-29. Review status: no assertion criteria provided. Collection method: literature only. Allele origin: germline.

Literature cited by the submitters: PubMed 31579092 (cited by Wonkam Laboratory, Johns Hopkins University); PubMed 9603736 (cited by Wonkam Laboratory, Johns Hopkins University and OMIM).